The following is an entry in ClinVar:

ClinVar aggregate classification (germline): Pathogenic (0 of 4 stars; one submission).

Conditions:
SHOX-related short stature. Also called: SHORT STATURE, IDIOPATHIC, X-LINKED. Identifiers: Orphanet 314795, MedGen C1845118, MONDO:0010367, OMIM 300582. Disease mechanism: loss of function.

Submission:

Baylor Genetics
Classification: Pathogenic for SHOX-related short stature. Last evaluated: 2015-03-13. Review status: no assertion criteria provided. Collection method: clinical testing. Allele origin: paternal. Inheritance: Y-linked inheritance. Affected: yes. Observed: 1 variant allele, 1 hemizygote.
Comment: The SHOX variant is located in the invariant splice site of the SHOXY (SHOX) gene, which is located in the pseudoautosomal region on chrY and chrX. Although it has not been functionally tested, this variant is predicted as a deleterious change according to ACMG guidelines [PMID: 18414213].

NM_000451.4(SHOX):c.544+1G>A

Gene: SHOX (SHOX homeobox; plus strand). Cytogenetic location: Xp22.33.
Variant type: single nucleotide variant.
Coding change: c.544+1G>A on transcript NM_000451.4 (MANE Select); the canonical splice donor site of the intron after coding-DNA position 544, G replaced by A.
Molecular consequence: splice donor variant.
Genome position (GRCh38, 1-based): chrX:640,879, G>A. VCF-style: chrX-640879-G-A. GRCh37 (hg19) VCF-style: chrX-601614-G-A.
Other names: c.544+1G>A (NM_006883.2).
Identifiers: ClinVar variation 374328 (VCV000374328.2), dbSNP rs1057518701, ClinGen allele CA412231745.